The following is an entry in ClinVar:

NM_004181.5(UCHL1):c.280G>A (p.Gly94Arg)

Gene: UCHL1 (ubiquitin C-terminal hydrolase L1; plus strand). Cytogenetic location: 4p13.
Variant type: single nucleotide variant.
Coding change: c.280G>A on transcript NM_004181.5 (MANE Select); coding-DNA position 280, G replaced by A.
Protein change: p.Gly94Arg; replaces glycine 94 with arginine.
Molecular consequence: missense variant.
Genome position (GRCh38, 1-based): chr4:41,260,752, G>A. VCF-style: chr4-41260752-G-A. GRCh37 (hg19) VCF-style: chr4-41262769-G-A.
Other names: c.280G>A (NM_004181.4); short protein forms G94R.
Identifiers: ClinVar variation 1469118 (VCV001469118.7), dbSNP rs2154087190, ClinGen allele CA356732444.
Genomic context (GRCh38, chr4:41,260,752, plus strand): 5'-GAAGTTAGTCCTAAAGTGTACTTCATGAAGCAGACCATTGGGAATTCCTGTGGCACAATC[G>A]GACTTATTCACGCAGTGGCCAATAATCAAGACAAACTGGGATTTGGTAGGTGTGGGTTTT-3'
Protein context (NP_004172.2, residues 84-104): QTIGNSCGTI[Gly94Arg]LIHAVANNQD

ClinVar aggregate classification (germline): Uncertain significance. Review status: criteria provided, single submitter (1 of 4 stars). 2 submissions from 2 submitters: Uncertain significance (1). 1 of the submissions does not count toward it. Last evaluated 2023-10-03.

Conditions:
UCHL1-related disorder. Also called: UCHL1-related condition.

Submissions (2):

Labcorp Genetics (formerly Invitae), Labcorp
Classification: Uncertain significance. Last evaluated: 2023-10-03. Review status: criteria provided, single submitter. Criteria: Invitae Variant Classification Sherloc (09022015). Collection method: clinical testing. Allele origin: germline.
Comment: This sequence change replaces glycine, which is neutral and non-polar, with arginine, which is basic and polar, at codon 94 of the UCHL1 protein (p.Gly94Arg). This variant is not present in population databases (gnomAD no frequency). This variant has not been reported in the literature in individuals affected with UCHL1-related conditions. ClinVar contains an entry for this variant (Variation ID: 1469118). An algorithm developed to predict the effect of missense changes on protein structure and function (PolyPhen-2) suggests that this variant is likely to be disruptive. In summary, the available evidence is currently insufficient to determine the role of this variant in disease. Therefore, it has been classified as a Variant of Uncertain Significance.

PreventionGenetics, part of Exact Sciences
Classification: Uncertain significance for UCHL1-related condition. Last evaluated: 2024-06-14. Review status: no assertion criteria provided. Collection method: clinical testing. Allele origin: germline. Not counted in ClinVar's aggregate classification.
Comment: The UCHL1 c.280G>A variant is predicted to result in the amino acid substitution p.Gly94Arg. To our knowledge, this variant has not been reported in the literature or in a large population database, indicating this variant is rare. At this time, the clinical significance of this variant is uncertain due to the absence of conclusive functional and genetic evidence.